The following is an entry in ClinVar:

ClinVar aggregate classification (germline): Uncertain significance (1 of 4 stars; one submission).

Conditions:
Spermatogenic failure 18. Identifiers: MedGen C4539783, MONDO:0054615, OMIM 617576.
Ciliary dyskinesia, primary, 37 (CILD37). Also called: CILIARY DYSKINESIA, PRIMARY, 37, WITH OR WITHOUT SITUS INVERSUS. Identifiers: MedGen C4539798, MONDO:0033204, OMIM 617577.

Submission:

Labcorp Genetics (formerly Invitae), Labcorp
Classification: Uncertain significance for Ciliary dyskinesia, primary, 37; Spermatogenic failure 18. Last evaluated: 2025-10-04. Review status: criteria provided, single submitter. Criteria: Invitae Variant Classification Sherloc (09022015). Collection method: clinical testing. Allele origin: germline.
Comment: This sequence change replaces phenylalanine, which is neutral and non-polar, with cysteine, which is neutral and slightly polar, at codon 3957 of the DNAH1 protein (p.Phe3957Cys). This variant is not present in population databases (gnomAD no frequency). This variant has not been reported in the literature in individuals affected with DNAH1-related conditions. Invitae Evidence Modeling of protein sequence and biophysical properties (such as structural, functional, and spatial information, amino acid conservation, physicochemical variation, residue mobility, and thermodynamic stability) indicates that this missense variant is not expected to disrupt DNAH1 protein function with a negative predictive value of 80%. In summary, the available evidence is currently insufficient to determine the role of this variant in disease. Therefore, it has been classified as a Variant of Uncertain Significance.

NM_015512.5(DNAH1):c.11870T>G (p.Phe3957Cys)

Gene: DNAH1 (dynein axonemal heavy chain 1; plus strand). Cytogenetic location: 3p21.1.
Variant type: single nucleotide variant.
Coding change: c.11870T>G on transcript NM_015512.5 (MANE Select); coding-DNA position 11870, T replaced by G.
Protein change: p.Phe3957Cys; replaces phenylalanine 3957 with cysteine.
Molecular consequence: missense variant.
Genome position (GRCh38, 1-based): chr3:52,397,789, T>G. VCF-style: chr3-52397789-T-G. GRCh37 (hg19) VCF-style: chr3-52431805-T-G.
Other names: short protein forms F3957C.
Identifiers: ClinVar variation 4782489 (VCV004782489.1).